The following is an entry in ClinVar:

ClinVar aggregate classification (germline): Pathogenic. Review status: criteria provided, single submitter (1 of 4 stars). 2 submissions from 2 submitters: Pathogenic (1). 1 of the submissions does not count toward it. Last evaluated 2025-01-27.

Conditions:
Colorectal cancer, susceptibility to, 12 (CRCS12). Also called: COLORECTAL CANCER, SUSCEPTIBILITY TO, ON CHROMOSOME 12q24. Identifiers: Orphanet 220460, MedGen C3554460, MONDO:0014038, OMIM 615083.

Submissions (2):

Labcorp Genetics (formerly Invitae), Labcorp
Classification: Pathogenic. Last evaluated: 2025-01-27. Review status: criteria provided, single submitter. Criteria: Invitae Variant Classification Sherloc (09022015). Collection method: clinical testing. Allele origin: germline.
Comment: This sequence change affects a donor splice site in intron 1 of the POLE gene. RNA analysis indicates that disruption of this splice site induces altered splicing and may result in an absent or altered protein product. This variant is not present in population databases (gnomAD no frequency). Disruption of this splice site has been observed in individual(s) with autosomal recessive POLE-related conditions (PMID: 29754823, 30503519). In at least one individual the data is consistent with being in trans (on the opposite chromosome) from a pathogenic variant. ClinVar contains an entry for this variant (Variation ID: 570115). Studies have shown that disruption of this splice site results in activation of a cryptic splice site, and produces a non-functional protein and/or introduces a premature termination codon (internal data). For these reasons, this variant has been classified as Pathogenic.

University of Washington Department of Laboratory Medicine, University of Washington
Classification: Likely benign for Colorectal cancer, susceptibility to, 12. Last evaluated: 2019-11-26. Review status: no assertion criteria provided. Collection method: research. Allele origin: germline. Affected: no. Not counted in ClinVar's aggregate classification.
Comment: Only missense variants that specifically alter the active site of the POLE exonuclease domain have been reported to increase cancer risk. This variant is predicted to create an altered transcript with effects beyond the exonuclease domain. This variant did not segregate consistently with colon polyps in one family where 11 individuals were tested. This data supports a classification of likely benign. This analysis was performed in conjunction with family studies as part of the University of Washington Find My Variant study.

Literature cited by the submitters: PubMed 29754823 (cited by Labcorp Genetics (formerly Invitae), Labcorp); PubMed 30503519 (cited by Labcorp Genetics (formerly Invitae), Labcorp).

NM_006231.4(POLE):c.62+1G>C

Genes: POLE (DNA polymerase epsilon, catalytic subunit; minus strand), LOC130009266 (ATAC-STARR-seq lymphoblastoid silent region 5123; plus strand). Cytogenetic location: 12q24.33.
Variant type: single nucleotide variant.
Coding change: c.62+1G>C on transcript NM_006231.4 (MANE Select); the canonical splice donor site of the intron after coding-DNA position 62, G replaced by C.
Molecular consequence: splice donor variant.
Genome position (GRCh38, 1-based): chr12:132,687,253, C>G on the plus strand (G>C on the coding strand, the complement: POLE is on the minus strand). VCF-style: chr12-132687253-C-G. GRCh37 (hg19) VCF-style: chr12-133263839-C-G.
Identifiers: ClinVar variation 570115 (VCV000570115.11), dbSNP rs1565986506, ClinGen allele CA387373266.